The following is an entry in ClinVar:

NM_004006.3(DMD):c.1783G>T (p.Glu595Ter)

Gene: DMD (dystrophin; minus strand). Cytogenetic location: Xp21.1.
Variant type: single nucleotide variant.
Coding change: c.1783G>T on transcript NM_004006.3 (MANE Select); coding-DNA position 1783, G replaced by T.
Protein change: p.Glu595Ter; replaces glutamic acid 595 with a stop codon.
Molecular consequence: nonsense.
Genome position (GRCh38, 1-based): chrX:32,573,559, C>A on the plus strand (G>T on the coding strand, the complement: DMD is on the minus strand). VCF-style: chrX-32573559-C-A. GRCh37 (hg19) VCF-style: chrX-32591676-C-A.
Other names: c.1759G>T, p.Glu587Ter (NM_000109.4); c.1771G>T, p.Glu591Ter (NM_004009.3); c.1414G>T, p.Glu472Ter (NM_004010.3); short protein forms E472*, E587*, E591*, E595*.
Identifiers: ClinVar variation 2737174 (VCV002737174.3), dbSNP rs2149136473, ClinGen allele CA412673126.

ClinVar aggregate classification (germline): Pathogenic (1 of 4 stars; one submission).

Conditions:
Duchenne muscular dystrophy (DMD). Also called: MUSCULAR DYSTROPHY, PSEUDOHYPERTROPHIC PROGRESSIVE, DUCHENNE TYPE; Duchenne Muscular Dystrophy (DMD). Identifiers: Orphanet 98896, MedGen C0013264, MONDO:0010679, OMIM 310200.

Submission:

Labcorp Genetics (formerly Invitae), Labcorp
Classification: Pathogenic for Duchenne muscular dystrophy. Last evaluated: 2023-08-05. Review status: criteria provided, single submitter. Criteria: Invitae Variant Classification Sherloc (09022015). Collection method: clinical testing. Allele origin: germline.
Comment: For these reasons, this variant has been classified as Pathogenic. This premature translational stop signal has been observed in individual(s) with Duchenne or Becker muscular dystrophy (PMID: 17259292). This sequence change creates a premature translational stop signal (p.Glu595*) in the DMD gene. It is expected to result in an absent or disrupted protein product. Loss-of-function variants in DMD are known to be pathogenic (PMID: 16770791, 25007885). This variant is not present in population databases (gnomAD no frequency).

Literature cited by the submitters: PubMed 17259292; PubMed 16770791; PubMed 25007885.